The following is an entry in ClinVar:

ClinVar aggregate classification (germline): Conflicting classifications of pathogenicity. Review status: criteria provided, conflicting classifications (1 of 4 stars). 2 submissions from 2 submitters: Likely pathogenic (1); Uncertain significance (1). Last evaluated 2025-11-19.

gnomAD v4.1: 3 of 1,614,160 alleles (0.00019%); highest among the groups gnomAD compares: South Asian, 0.0022%; no homozygotes.

Submissions (2):

Labcorp Genetics (formerly Invitae), Labcorp
Classification: Likely pathogenic. Last evaluated: 2025-11-19. Review status: criteria provided, single submitter. Criteria: Invitae Variant Classification Sherloc (09022015). Collection method: clinical testing. Allele origin: germline.
Comment: This sequence change replaces cysteine, which is neutral and slightly polar, with phenylalanine, which is neutral and non-polar, at codon 1840 of the ABCA4 protein (p.Cys1840Phe). This variant is present in population databases (no rsID available, gnomAD 0.007%). This missense change has been observed in individual(s) with ABCA4-related conditions and/or Stargardt disease (PMID: 38219857; internal data). Invitae Evidence Modeling of protein sequence and biophysical properties (such as structural, functional, and spatial information, amino acid conservation, physicochemical variation, residue mobility, and thermodynamic stability) indicates that this missense variant is expected to disrupt ABCA4 protein function with a positive predictive value of 95%. In summary, the currently available evidence indicates that the variant is pathogenic, but additional data are needed to prove that conclusively. Therefore, this variant has been classified as Likely Pathogenic.

Blueprint Genetics
Classification: Uncertain significance. Last evaluated: 2020-01-20. Review status: criteria provided, single submitter. Criteria: ACMG Guidelines, 2015. Collection method: clinical testing. Allele origin: germline.

Literature cited by the submitters: PubMed 38219857 (cited by Labcorp Genetics (formerly Invitae), Labcorp).

NM_000350.3(ABCA4):c.5519G>T (p.Cys1840Phe)

Gene: ABCA4 (ATP binding cassette subfamily A member 4; minus strand). Cytogenetic location: 1p22.1.
Variant type: single nucleotide variant.
Coding change: c.5519G>T on transcript NM_000350.3 (MANE Select); coding-DNA position 5519, G replaced by T.
Protein change: p.Cys1840Phe; replaces cysteine 1840 with phenylalanine.
Molecular consequence: missense variant.
Genome position (GRCh38, 1-based): chr1:94,011,327, C>A on the plus strand (G>T on the coding strand, the complement: ABCA4 is on the minus strand). VCF-style: chr1-94011327-C-A. GRCh37 (hg19) VCF-style: chr1-94476883-C-A.
Other names: c.5297G>T, p.Cys1766Phe (NM_001425324.1); short protein forms C1766F, C1840F.
Identifiers: ClinVar variation 4796883 (VCV004796883.2).
Genomic context (GRCh38, chr1:94,011,327, plus strand): 5'-CGGGCATAGACATCTGTCACAGCCTGGCTCAGTGCAAGGTCAATGAGGCCCCGGCCCAGG[C>A]AGAAGTGGGGGAAGACAATGAGCAGCTTCCTCAGCACGGCGTTGAACCTGAGCAGCGTCT-3'
Protein context (NP_000341.2, residues 1830-1850): RKLLIVFPHF[Cys1840Phe]LGRGLIDLAL